The following is an entry in ClinVar:

ClinVar aggregate classification (germline): Uncertain significance. Review status: criteria provided, multiple submitters, no conflicts (2 of 4 stars). 5 submissions from 5 submitters: Uncertain significance (5). Last evaluated 2025-10-01.

Conditions:
Familial thoracic aortic aneurysm and aortic dissection (TAAD). Also called: Thoracic aortic aneurysms and dissections. Identifiers: Orphanet 91387, MedGen C4707243, MONDO:0019625.
Ehlers-Danlos syndrome, type 4 (EDSVASC). Also called: Ehlers-Danlos syndrome vascular type; Ehlers Danlos syndrome, ecchymotic type; Ehlers Danlos syndrome, arterial type; Ehlers Danlos syndrome, Sack-Barabas type; Ehlers-Danlos Syndrome Type IV. Identifiers: Orphanet 286, MedGen C0268338, MONDO:0017314, OMIM 130050.

Allele frequency attached by ClinVar (database versions not stated): TOPMed 0.00002.
gnomAD v4.1: 8 of 1,613,898 alleles (0.0005%); highest among the groups gnomAD compares: African/African-American, 0.0013%; no homozygotes.

Submissions (5):

CeGaT Center for Human Genetics Tuebingen
Classification: Uncertain significance. Last evaluated: 2025-10-01. Review status: criteria provided, single submitter. Criteria: CeGaT Center For Human Genetics Tuebingen Variant Classification Criteria Version 2. Collection method: clinical testing. Allele origin: germline. Affected: yes. Observed: 1 variant allele.
Comment: COL3A1: PM2, BP4

Ambry Genetics
Classification: Uncertain significance for Familial thoracic aortic aneurysm and aortic dissection. Last evaluated: 2025-06-12. Review status: criteria provided, single submitter. Criteria: Ambry Variant Classification Scheme 2023. Collection method: clinical testing. Allele origin: germline.
Comment: The p.T19A variant (also known as c.55A>G), located in coding exon 1 of the COL3A1 gene, results from an A to G substitution at nucleotide position 55. The threonine at codon 19 is replaced by alanine, an amino acid with similar properties. This amino acid position is not well conserved in available vertebrate species. In addition, this alteration is predicted to be tolerated by in silico analysis. Based on the available evidence, the clinical significance of this variant remains unclear.

Color Diagnostics, LLC DBA Color Health
Classification: Uncertain significance for Familial thoracic aortic aneurysm and aortic dissection. Last evaluated: 2024-03-06. Review status: criteria provided, single submitter. Criteria: ACMG Guidelines, 2015. Collection method: clinical testing. Allele origin: germline.
Comment: This missense variant replaces threonine with alanine at codon 19 of the COL3A1 protein. Computational prediction suggests that this variant may not impact protein structure and function (internally defined REVEL score threshold <= 0.5, PMID: 27666373). To our knowledge, functional studies have not been reported for this variant. This variant has not been reported in individuals affected with cardiovascular disorders in the literature. This variant has not been identified in the general population by the Genome Aggregation Database (gnomAD). The available evidence is insufficient to determine the role of this variant in disease conclusively. Therefore, this variant is classified as a Variant of Uncertain Significance.

Labcorp Genetics (formerly Invitae), Labcorp
Classification: Uncertain significance for Ehlers-Danlos syndrome, type 4. Last evaluated: 2023-08-30. Review status: criteria provided, single submitter. Criteria: Invitae Variant Classification Sherloc (09022015). Collection method: clinical testing. Allele origin: germline.
Comment: In summary, the available evidence is currently insufficient to determine the role of this variant in disease. Therefore, it has been classified as a Variant of Uncertain Significance. Advanced modeling of protein sequence and biophysical properties (such as structural, functional, and spatial information, amino acid conservation, physicochemical variation, residue mobility, and thermodynamic stability) performed at Invitae indicates that this missense variant is not expected to disrupt COL3A1 protein function. ClinVar contains an entry for this variant (Variation ID: 640237). This variant has not been reported in the literature in individuals affected with COL3A1-related conditions. This variant is not present in population databases (gnomAD no frequency). This sequence change replaces threonine, which is neutral and polar, with alanine, which is neutral and non-polar, at codon 19 of the COL3A1 protein (p.Thr19Ala).

Women's Health and Genetics/Laboratory Corporation of America, LabCorp
Classification: Uncertain significance. Last evaluated: 2023-02-06. Review status: criteria provided, single submitter. Criteria: LabCorp Variant Classification Summary - May 2015. Collection method: clinical testing. Allele origin: germline.
Comment: Variant summary: COL3A1 c.55A>G (p.Thr19Ala) results in a non-conservative amino acid change in the encoded protein sequence. Four of five in-silico tools predict a benign effect of the variant on protein function. The variant was absent in 251408 control chromosomes (gnomAD). The available data on variant occurrences in the general population are insufficient to allow any conclusion about variant significance. To our knowledge, no occurrence of c.55A>G in individuals affected with Aortopathy and no experimental evidence demonstrating its impact on protein function have been reported. Two clinical diagnostic laboratories have submitted clinical-significance assessments for this variant to ClinVar after 2014 and both laboratories classified the variant as uncertain significance. Based on the evidence outlined above, the variant was classified as uncertain significance.

NM_000090.4(COL3A1):c.55A>G (p.Thr19Ala)

Gene: COL3A1 (collagen type III alpha 1 chain; plus strand). Cytogenetic location: 2q32.2.
Variant type: single nucleotide variant.
Coding change: c.55A>G on transcript NM_000090.4 (MANE Select); coding-DNA position 55, A replaced by G.
Protein change: p.Thr19Ala; replaces threonine 19 with alanine.
Molecular consequence: missense variant.
Genome position (GRCh38, 1-based): chr2:188,974,544, A>G. VCF-style: chr2-188974544-A-G. GRCh37 (hg19) VCF-style: chr2-189839270-A-G.
Other names: short protein forms T19A.
Identifiers: ClinVar variation 640237 (VCV000640237.19), dbSNP rs1300339107, ClinGen allele CA349845449.